The following is an entry in ClinVar:

NM_005591.4(MRE11):c.1402G>A (p.Asp468Asn)

Gene: MRE11 (MRE11 double strand break repair nuclease; minus strand). Cytogenetic location: 11q21.
Variant type: single nucleotide variant.
Coding change: c.1402G>A on transcript NM_005591.4 (MANE Select); coding-DNA position 1402, G replaced by A.
Protein change: p.Asp468Asn; replaces aspartic acid 468 with asparagine.
Molecular consequence: missense variant.
Genome position (GRCh38, 1-based): chr11:94,459,506, C>T on the plus strand (G>A on the coding strand, the complement: MRE11 is on the minus strand). VCF-style: chr11-94459506-C-T. GRCh37 (hg19) VCF-style: chr11-94192672-C-T.
Other names: c.1402G>A, p.Asp468Asn (NM_001330347.2, NM_005590.4); short protein forms D468N.
Identifiers: ClinVar variation 3397865 (VCV003397865.1).

ClinVar aggregate classification (germline): Uncertain significance (1 of 4 stars; one submission).

Conditions:
Hereditary cancer-predisposing syndrome. Also called: Hereditary Cancer Syndrome; Tumor predisposition; Hereditary neoplastic syndrome; Neoplastic Syndromes, Hereditary. Identifiers: Orphanet 140162, MedGen C0027672, MeSH D009386, MONDO:0015356.

Submission:

Ambry Genetics
Classification: Uncertain significance for Hereditary cancer-predisposing syndrome. Last evaluated: 2024-09-26. Review status: criteria provided, single submitter. Criteria: Ambry Variant Classification Scheme 2023. Collection method: clinical testing. Allele origin: germline.
Comment: The p.D468N variant (also known as c.1402G>A), located in coding exon 12 of the MRE11A gene, results from a G to A substitution at nucleotide position 1402. The aspartic acid at codon 468 is replaced by asparagine, an amino acid with highly similar properties. This amino acid position is conserved. In addition, this alteration is predicted to be tolerated by in silico analysis. Based on the available evidence, the clinical significance of this variant remains unclear.